The following is an entry in ClinVar:

NM_006371.5(CRTAP):c.542T>C (p.Met181Thr)

Gene: CRTAP (cartilage associated protein; plus strand). Cytogenetic location: 3p22.3.
Variant type: single nucleotide variant.
Coding change: c.542T>C on transcript NM_006371.5 (MANE Select); coding-DNA position 542, T replaced by C.
Protein change: p.Met181Thr; replaces methionine 181 with threonine.
Molecular consequence: missense variant. On other transcripts: intron variant (1).
Genome position (GRCh38, 1-based): chr3:33,120,414, T>C. VCF-style: chr3-33120414-T-C. GRCh37 (hg19) VCF-style: chr3-33161906-T-C.
Other names: c.542T>C, p.Met181Thr (NM_001393363.1, NM_001393364.1); c.472-3994T>C (NM_001393365.1); short protein forms M181T.
Identifiers: ClinVar variation 1424472 (VCV001424472.8), dbSNP rs2125598667, ClinGen allele CA352009081.

ClinVar aggregate classification (germline): Uncertain significance (1 of 4 stars; one submission).

Conditions:
Osteogenesis imperfecta type 7 (OI7). Also called: OSTEOGENESIS IMPERFECTA, TYPE IIB; Osteogenesis imperfecta type 2B; OI type 2B; Osteogenesis imperfecta, perinatal lethal autosomal recessive; OI type IIB; OI type 7. Identifiers: MedGen C1853162, MONDO:0012536, OMIM 610682.

Submission:

Labcorp Genetics (formerly Invitae), Labcorp
Classification: Uncertain significance for Osteogenesis imperfecta type 7. Last evaluated: 2021-05-18. Review status: criteria provided, single submitter. Criteria: Invitae Variant Classification Sherloc (09022015). Collection method: clinical testing. Allele origin: germline.
Comment: In summary, the available evidence is currently insufficient to determine the role of this variant in disease. Therefore, it has been classified as a Variant of Uncertain Significance. Algorithms developed to predict the effect of missense changes on protein structure and function are either unavailable or do not agree on the potential impact of this missense change (SIFT: "Deleterious"; PolyPhen-2: "Benign"; Align-GVGD: "Class C0"). This variant has not been reported in the literature in individuals with CRTAP-related conditions. This variant is not present in population databases (ExAC no frequency). This sequence change replaces methionine with threonine at codon 181 of the CRTAP protein (p.Met181Thr). The methionine residue is highly conserved and there is a moderate physicochemical difference between methionine and threonine.